The following is an entry in ClinVar:

ClinVar aggregate classification (germline): Uncertain significance (1 of 4 stars; one submission).

Conditions:
Epileptic encephalopathy. Identifiers: MedGen C0543888, HP:0200134.

Allele frequency attached by ClinVar (database versions not stated): ExAC 0.00001; TOPMed 0.00001.
gnomAD v4.1: 8 of 1,613,034 alleles (0.0005%); highest among the groups gnomAD compares: Admixed American, 0.0017%; no homozygotes.

Submission:

Labcorp Genetics (formerly Invitae), Labcorp
Classification: Uncertain significance for Epileptic encephalopathy. Last evaluated: 2022-07-13. Review status: criteria provided, single submitter. Criteria: Invitae Variant Classification Sherloc (09022015). Collection method: clinical testing. Allele origin: germline.
Comment: This sequence change replaces alanine, which is neutral and non-polar, with valine, which is neutral and non-polar, at codon 2437 of the FASN protein (p.Ala2437Val). This variant is present in population databases (rs754016337, gnomAD 0.007%). This variant has not been reported in the literature in individuals affected with FASN-related conditions. Algorithms developed to predict the effect of missense changes on protein structure and function (SIFT, PolyPhen-2, Align-GVGD) all suggest that this variant is likely to be tolerated. In summary, the available evidence is currently insufficient to determine the role of this variant in disease. Therefore, it has been classified as a Variant of Uncertain Significance.

NM_004104.5(FASN):c.7310C>T (p.Ala2437Val)

Genes: FASN (fatty acid synthase; minus strand), LOC129390948 (MPRA-validated peak3028 silencer; plus strand). Cytogenetic location: 17q25.3.
Variant type: single nucleotide variant.
Coding change: c.7310C>T on transcript NM_004104.5 (MANE Select); coding-DNA position 7310, C replaced by T.
Protein change: p.Ala2437Val; replaces alanine 2437 with valine.
Molecular consequence: missense variant.
Genome position (GRCh38, 1-based): chr17:82,079,445, G>A on the plus strand (C>T on the coding strand, the complement: FASN is on the minus strand). VCF-style: chr17-82079445-G-A. GRCh37 (hg19) VCF-style: chr17-80037321-G-A.
Other names: short protein forms A2437V.
Identifiers: ClinVar variation 2165204 (VCV002165204.4), dbSNP rs754016337, ClinGen allele CA8851042.